The following is an entry in ClinVar:

ClinVar aggregate classification (germline): Likely benign. Review status: reviewed by expert panel (3 of 4 stars). 2 submissions from 2 submitters: Likely benign (1). 1 of the submissions does not count toward it. Last evaluated 2017-06-29.

Conditions:
Hereditary cancer-predisposing syndrome. Also called: Tumor predisposition; Hereditary Cancer Syndrome; Hereditary neoplastic syndrome; Neoplastic Syndromes, Hereditary. Identifiers: Orphanet 140162, MedGen C0027672, MeSH D009386, MONDO:0015356.
Breast-ovarian cancer, familial, susceptibility to, 2 (BROVCA2). Also called: BRCA2 Hereditary Breast and Ovarian Cancer. Identifiers: Orphanet 145, MedGen C2675520, MONDO:0012933, OMIM 612555. Disease mechanism: loss of function.

Submissions (2):

Evidence-based Network for the Interpretation of Germline Mutant Alleles (ENIGMA)
Classification: Likely benign for Breast-ovarian cancer, familial, susceptibility to, 2. Last evaluated: 2017-06-29. Review status: reviewed by expert panel. Criteria: ENIGMA BRCA1/2 Classification Criteria (2017-06-29). Collection method: curation. Allele origin: germline.
Comment: Synonymous substitution variant, with low bioinformatic likelihood to result in a splicing aberration (Splicing prior probability 0.02).

Ambry Genetics
Classification: Likely benign for Hereditary cancer-predisposing syndrome. Last evaluated: 2014-12-08. Review status: criteria provided, single submitter. Criteria: Ambry Variant Classification Scheme 2023. Collection method: clinical testing. Allele origin: germline. Not counted in ClinVar's aggregate classification.

NM_000059.4(BRCA2):c.6969T>C (p.His2323=)

Gene: BRCA2 (BRCA2 DNA repair associated; plus strand). Cytogenetic location: 13q13.1.
Variant type: single nucleotide variant.
Coding change: c.6969T>C on transcript NM_000059.4 (MANE Select); coding-DNA position 6969, T replaced by C.
Protein change: p.His2323=; no amino-acid change (histidine 2323 retained).
Molecular consequence: synonymous variant.
Genome position (GRCh38, 1-based): chr13:32,346,858, T>C. VCF-style: chr13-32346858-T-C. GRCh37 (hg19) VCF-style: chr13-32920995-T-C.
Identifiers: ClinVar variation 184160 (VCV000184160.7), dbSNP rs786201307, ClinGen allele CA024652.
Genomic context (GRCh38, chr13:32,346,858, plus strand): 5'-ATATGTAATATAAAATAATTGTTTCCTAGGCACAATAAAAGATCGAAGATTGTTTATGCA[T>C]CATGTTTCTTTAGAGCCGATTACCTGTGTACCCTTTCGGTAAGACATGTTTAAATTTTTC-3'
Protein context (NP_000050.3, residues 2313-2333): GTIKDRRLFM[His2323=]HVSLEPITCV